The following is an entry in ClinVar:

ClinVar aggregate classification (germline): Pathogenic (1 of 4 stars; one submission).

Conditions:
Alstrom syndrome (ALMS). Identifiers: Orphanet 64, MedGen C0268425, MONDO:0008763, OMIM 203800.

Submission:

Labcorp Genetics (formerly Invitae), Labcorp
Classification: Pathogenic for Alstrom syndrome. Last evaluated: 2025-07-30. Review status: criteria provided, single submitter. Criteria: Invitae Variant Classification Sherloc (09022015). Collection method: clinical testing. Allele origin: germline.
Comment: This sequence change creates a premature translational stop signal (p.Ser2816*) in the ALMS1 gene. It is expected to result in an absent or disrupted protein product. Loss-of-function variants in ALMS1 are known to be pathogenic (PMID: 17594715). This variant is not present in population databases (gnomAD no frequency). This variant has not been reported in the literature in individuals affected with ALMS1-related conditions. ClinVar contains an entry for this variant (Variation ID: 1452608). For these reasons, this variant has been classified as Pathogenic.

Literature cited by the submitters: PubMed 17594715.

NM_001378454.1(ALMS1):c.8444C>G (p.Ser2815Ter)

Gene: ALMS1 (ALMS1 centrosome and basal body associated protein; plus strand). Cytogenetic location: 2p13.1.
Variant type: single nucleotide variant.
Coding change: c.8444C>G on transcript NM_001378454.1 (MANE Select); coding-DNA position 8444, C replaced by G.
Protein change: p.Ser2815Ter; replaces serine 2815 with a stop codon.
Molecular consequence: nonsense.
Genome position (GRCh38, 1-based): chr2:73,490,403, C>G. VCF-style: chr2-73490403-C-G. GRCh37 (hg19) VCF-style: chr2-73717530-C-G.
Other names: c.8447C>G, p.Ser2816Ter (NM_015120.4); short protein forms S2816*, S2815*.
Identifiers: ClinVar variation 1452608 (VCV001452608.6), dbSNP rs2103891827, ClinGen allele CA347268904.